The following is an entry in ClinVar:

NM_174936.4(PCSK9):c.1054G>A (p.Gly352Arg)

Gene: PCSK9 (proprotein convertase subtilisin/kexin type 9; plus strand). Cytogenetic location: 1p32.3.
Variant type: single nucleotide variant.
Coding change: c.1054G>A on transcript NM_174936.4 (MANE Select); coding-DNA position 1054, G replaced by A.
Protein change: p.Gly352Arg; replaces glycine 352 with arginine.
Molecular consequence: missense variant. On other transcripts: non-coding transcript variant (7).
Genome position (GRCh38, 1-based): chr1:55,057,388, G>A. VCF-style: chr1-55057388-G-A. GRCh37 (hg19) VCF-style: chr1-55523061-G-A.
Other names: c.862G>A, p.Gly288Arg (NM_001407245.1); c.679G>A, p.Gly227Arg (NM_001407246.1); c.1054G>A, p.Gly352Arg (NM_001407247.1, NM_001407241.1, NM_001407244.1); c.1177G>A, p.Gly393Arg (NM_001407240.1); c.1057G>A, p.Gly353Arg (NM_001407242.1); c.997G>A, p.Gly333Arg (NM_001407243.1); short protein forms G227R, G288R, G333R, G352R, G353R, G393R.
Identifiers: ClinVar variation 3072951 (VCV003072951.2), dbSNP rs760614435, ClinGen allele CA034825.

ClinVar aggregate classification (germline): Uncertain significance. Review status: criteria provided, multiple submitters, no conflicts (2 of 4 stars). 2 submissions from 2 submitters: Uncertain significance (2). Last evaluated 2024-12-17.

Conditions:
Hypercholesterolemia, autosomal dominant, 3 (FHCL3). Also called: Familial Hypercholesterolemia, Autosomal Dominant, 3; PCSK9-Related Familial Hypercholesterolemia, Autosomal Dominant; Familial hypercholesterolemia 3. Identifiers: MedGen C1863551, MONDO:0011369, OMIM 603776.

Allele frequency attached by ClinVar (database versions not stated): gnomAD exomes below 0.00001; ExAC 0.00001; TOPMed 0.00002.
gnomAD v4.1: 2 of 1,614,008 alleles (0.00012%); highest among the groups gnomAD compares: Admixed American, 0.0017%; no homozygotes.

Submissions (2):

GeneDx
Classification: Uncertain significance. Last evaluated: 2024-12-17. Review status: criteria provided, single submitter. Criteria: GeneDx Variant Classification Process June 2021. Collection method: clinical testing. Allele origin: germline. Affected: yes.
Comment: Not observed at significant frequency in large population cohorts (gnomAD); In silico analysis supports that this missense variant has a deleterious effect on protein structure/function; Has not been previously published as pathogenic or benign to our knowledge

All of Us Research Program, National Institutes of Health
Classification: Uncertain significance for Hypercholesterolemia, autosomal dominant, 3. Last evaluated: 2023-08-15. Review status: criteria provided, single submitter. Criteria: ACMG Guidelines, 2015. Collection method: clinical testing. Allele origin: germline. Inheritance: Autosomal dominant inheritance. Observed: 1 variant allele, 1 heterozygote.
Comment: This missense variant replaces glycine with arginine at codon 352 of the PCSK9 protein. Computational prediction is inconclusive regarding the impact of this variant on protein structure and function (internally defined REVEL score threshold 0.5 < inconclusive < 0.7, PMID: 27666373). To our knowledge, functional studies have not been reported for this variant. This variant has not been reported in individuals affected with PCSK9-related disorders in the literature. This variant has been identified in 1/251378 chromosomes in the general population by the Genome Aggregation Database (gnomAD). The available evidence is insufficient to determine the role of this variant in disease conclusively. Therefore, this variant is classified as a Variant of Uncertain Significance.

This study involves interpretation of variants in research participants for the purpose of population health screening. Participant phenotype was not available at the time of variant classification. Additional details can be found in publication PMID: 35346344, PMCID: PMC8962531